The following is an entry in ClinVar:

ClinVar aggregate classification (germline): Uncertain significance. Review status: criteria provided, multiple submitters, no conflicts (2 of 4 stars). 2 submissions from 2 submitters: Uncertain significance (2). Last evaluated 2025-10-07.

Conditions:
Chédiak-Higashi syndrome (CHS). Also called: Chediak-Higashi Syndrome. Identifiers: Orphanet 167, MedGen C0007965, MONDO:0008963, OMIM 214500.
Inborn genetic diseases. Identifiers: MedGen C0950123, MeSH D030342.

Allele frequency attached by ClinVar (database versions not stated): gnomAD exomes below 0.00001; TOPMed 0.00001.
gnomAD v4.1: 1 of 1,614,150 alleles (0.000062%); highest among the groups gnomAD compares: Admixed American, 0.0017%; no homozygotes.

Submissions (2):

Ambry Genetics
Classification: Uncertain significance for Inborn genetic diseases. Last evaluated: 2025-10-07. Review status: criteria provided, single submitter. Criteria: Ambry Variant Classification Scheme 2023. Collection method: clinical testing. Allele origin: germline.

Labcorp Genetics (formerly Invitae), Labcorp
Classification: Uncertain significance for Chédiak-Higashi syndrome. Last evaluated: 2022-10-15. Review status: criteria provided, single submitter. Criteria: Invitae Variant Classification Sherloc (09022015). Collection method: clinical testing. Allele origin: germline.
Comment: This sequence change replaces arginine, which is basic and polar, with lysine, which is basic and polar, at codon 225 of the LYST protein (p.Arg225Lys). This variant is present in population databases (no rsID available, gnomAD 0.003%). This variant has not been reported in the literature in individuals affected with LYST-related conditions. Advanced modeling of protein sequence and biophysical properties (such as structural, functional, and spatial information, amino acid conservation, physicochemical variation, residue mobility, and thermodynamic stability) performed at Invitae indicates that this missense variant is not expected to disrupt LYST protein function. In summary, the available evidence is currently insufficient to determine the role of this variant in disease. Therefore, it has been classified as a Variant of Uncertain Significance.

NM_000081.4(LYST):c.674G>A (p.Arg225Lys)

Gene: LYST (lysosomal trafficking regulator; minus strand). Cytogenetic location: 1q42.3.
Variant type: single nucleotide variant.
Coding change: c.674G>A on transcript NM_000081.4 (MANE Select); coding-DNA position 674, G replaced by A.
Protein change: p.Arg225Lys; replaces arginine 225 with lysine.
Molecular consequence: missense variant.
Genome position (GRCh38, 1-based): chr1:235,810,144, C>T on the plus strand (G>A on the coding strand, the complement: LYST is on the minus strand). VCF-style: chr1-235810144-C-T. GRCh37 (hg19) VCF-style: chr1-235973444-C-T.
Other names: c.674G>A (NM_000081.2); c.674G>A, p.Arg225Lys (NM_001301365.1); short protein forms R225K.
Identifiers: ClinVar variation 1910431 (VCV001910431.3), dbSNP rs893617432, ClinGen allele CA39618107.